The following is an entry in ClinVar:

ClinVar aggregate classification (germline): Conflicting classifications of pathogenicity. Review status: criteria provided, conflicting classifications (1 of 4 stars). 3 submissions from 3 submitters: Likely pathogenic (1); Uncertain significance (2). Last evaluated 2026-07-30.

Conditions:
Sessile serrated polyposis cancer syndrome (SSPCS). Identifiers: Orphanet 157798, MedGen C4310714, MONDO:0014919, OMIM 617108.

Allele frequency attached by ClinVar (database versions not stated): gnomAD exomes below 0.00001.
gnomAD v4.1: 5 of 1,614,216 alleles (0.00031%); highest among the groups gnomAD compares: South Asian, 0.0033%; no homozygotes.

Submissions (3):

Ambry Genetics
Classification: Uncertain significance. Last evaluated: 2026-07-30. Review status: criteria provided, single submitter. Criteria: Ambry Variant Classification Scheme 2023. Collection method: clinical testing. Allele origin: germline.
Comment: The p.Q763* variant (also known as c.2287C>T), located in coding exon 8 of the RNF43 gene, results from a C to T substitution at nucleotide position 2287. This changes the amino acid from a glutamine to a stop codon within coding exon 8. The evidence for this gene-disease relationship is limited; therefore, the clinical significance of this variant is unclear.

Labcorp Genetics (formerly Invitae), Labcorp
Classification: Uncertain significance. Last evaluated: 2021-03-22. Review status: criteria provided, single submitter. Criteria: Invitae Variant Classification Sherloc (09022015). Collection method: clinical testing. Allele origin: germline.
Comment: This variant has not been reported in the literature in individuals with RNF43-related conditions. Experimental studies and prediction algorithms are not available or were not evaluated, and the functional significance of this variant is currently unknown. In summary, the available evidence is currently insufficient to determine the role of this variant in disease. Therefore, it has been classified as a Variant of Uncertain Significance. This sequence change creates a premature translational stop signal (p.Gln763*) in the RNF43 gene. While this is not anticipated to result in nonsense mediated decay, it is expected to disrupt the last 21 amino acid(s) of the RNF43 protein. This variant is not present in population databases (ExAC no frequency).

Department of Medical Genetics, Gazi University
Classification: Likely pathogenic for Sessile serrated polyposis cancer syndrome. Review status: criteria provided, single submitter. Criteria: ACMG Guidelines, 2015. Collection method: clinical testing. Allele origin: germline. Inheritance: Autosomal recessive inheritance. Affected: yes. Observed: 1 variant allele, 1 homozygote.
Comment: For molecular diagnosis, whole-exome sequencing analysis revealed NM_001305545.1:c.1906C>T; p.Gln636Ter [NM_017763.6:c.2287C>T;p.Gln763Ter] in the RNF43 gene, putatively causing loss of protein function, was the only variant that may explain the genetic background of the disease.

Literature cited by the submitters: DOI 10.3390/ijms27104509 (cited by Department of Medical Genetics, Gazi University).

NM_017763.6(RNF43):c.2287C>T (p.Gln763Ter)

Gene: RNF43 (ring finger protein 43; minus strand). Cytogenetic location: 17q22.
Variant type: single nucleotide variant.
Coding change: c.2287C>T on transcript NM_017763.6 (MANE Select); coding-DNA position 2287, C replaced by T.
Protein change: p.Gln763Ter; replaces glutamine 763 with a stop codon.
Molecular consequence: nonsense.
Genome position (GRCh38, 1-based): chr17:58,357,489, G>A on the plus strand (C>T on the coding strand, the complement: RNF43 is on the minus strand). VCF-style: chr17-58357489-G-A. GRCh37 (hg19) VCF-style: chr17-56434850-G-A.
Other names: chr17-58357489 G>A; c.2287C>T, p.Gln763Ter (NM_001305544.3); c.1906C>T, p.Gln636Ter (NM_001305545.2); short protein forms Q636*, Q763*.
Identifiers: ClinVar variation 1488568 (VCV001488568.9), dbSNP rs2143383896, ClinGen allele CA400385450.